The following is an entry in ClinVar:

NM_001099922.3(ALG13):c.1780C>G (p.Arg594Gly)

Gene: ALG13 (ALG13 UDP-N-acetylglucosaminyltransferase subunit; plus strand). Cytogenetic location: Xq23.
Variant type: single nucleotide variant.
Coding change: c.1780C>G on transcript NM_001099922.3 (MANE Select); coding-DNA position 1780, C replaced by G.
Protein change: p.Arg594Gly; replaces arginine 594 with glycine.
Molecular consequence: missense variant. On other transcripts: non-coding transcript variant (1).
Genome position (GRCh38, 1-based): chrX:111,726,859, C>G. VCF-style: chrX-111726859-C-G. GRCh37 (hg19) VCF-style: chrX-110970087-C-G.
Other names: c.1468C>G, p.Arg490Gly (NM_001257230.2, NM_001257234.2, NM_001257237.2); c.1546C>G, p.Arg516Gly (NM_001257231.2); c.1780C>G, p.Arg594Gly (NM_001324292.2); c.1294C>G, p.Arg432Gly (NM_001324293.1); short protein forms R432G, R490G, R516G, R594G.
Identifiers: ClinVar variation 2431750 (VCV002431750.1), dbSNP rs2525930680, ClinGen allele CA414252535.

ClinVar aggregate classification (germline): Uncertain significance (1 of 4 stars; one submission).

Conditions:
Developmental and epileptic encephalopathy, 36 (DEE36). Also called: ALG13-CDG; Epileptic encephalopathy, early infantile, 36; Congenital disorder of glycosylation, type Is. Identifiers: Orphanet 324422, MedGen C4317295, MONDO:0010472, OMIM 300884.

Submission:

Laboratorio de Genetica e Diagnostico Molecular, Hospital Israelita Albert Einstein
Classification: Uncertain significance for Developmental and epileptic encephalopathy, 36. Last evaluated: 2023-02-03. Review status: criteria provided, single submitter. Criteria: ACMG Guidelines, 2015. Collection method: clinical testing. Allele origin: germline. Affected: yes. Observed: 1 variant allele.
Comment: ACMG classification criteria: PM2 moderated, BP4 supporting